The following is an entry in ClinVar:

ClinVar aggregate classification (germline): Uncertain significance. Review status: criteria provided, multiple submitters, no conflicts (2 of 4 stars). 2 submissions from 2 submitters: Uncertain significance (2). Last evaluated 2022-07-25.

Allele frequency attached by ClinVar (database versions not stated): 1000 Genomes Project 30x 0.00016; 1000 Genomes Project 0.00020.
gnomAD v4.1: 17 of 1,613,306 alleles (0.0011%); highest among the groups gnomAD compares: Admixed American, 0.015%; no homozygotes.

Submissions (2):

Labcorp Genetics (formerly Invitae), Labcorp
Classification: Uncertain significance. Last evaluated: 2022-07-25. Review status: criteria provided, single submitter. Criteria: Invitae Variant Classification Sherloc (09022015). Collection method: clinical testing. Allele origin: germline.
Comment: In summary, the available evidence is currently insufficient to determine the role of this variant in disease. Therefore, it has been classified as a Variant of Uncertain Significance. Algorithms developed to predict the effect of sequence changes on RNA splicing suggest that this variant may create or strengthen a splice site. ClinVar contains an entry for this variant (Variation ID: 374443). This variant has not been reported in the literature in individuals affected with NOTCH3-related conditions. This variant is present in population databases (rs1043995, gnomAD 0.01%). This sequence change affects codon 308 of the NOTCH3 mRNA. It is a 'silent' change, meaning that it does not change the encoded amino acid sequence of the NOTCH3 protein.

CeGaT Center for Human Genetics Tuebingen
Classification: Uncertain significance. Last evaluated: 2016-08-01. Review status: criteria provided, single submitter. Criteria: CeGaT Center For Human Genetics Tuebingen Variant Classification Criteria Version 2. Collection method: clinical testing. Allele origin: germline. Affected: yes. Observed: 1 variant allele.

NM_000435.3(NOTCH3):c.924C>T (p.Gly308=)

Gene: NOTCH3 (notch receptor 3; minus strand). Cytogenetic location: 19p13.12.
Variant type: single nucleotide variant.
Coding change: c.924C>T on transcript NM_000435.3 (MANE Select); coding-DNA position 924, C replaced by T.
Protein change: p.Gly308=; no amino-acid change (glycine 308 retained).
Molecular consequence: synonymous variant.
Genome position (GRCh38, 1-based): chr19:15,191,536, G>A on the plus strand (C>T on the coding strand, the complement: NOTCH3 is on the minus strand). VCF-style: chr19-15191536-G-A. GRCh37 (hg19) VCF-style: chr19-15302347-G-A.
Identifiers: ClinVar variation 374443 (VCV000374443.50), dbSNP rs1043995, ClinGen allele CA9263754.